The following is an entry in ClinVar:

NM_001844.5(COL2A1):c.3887-6del

Gene: COL2A1 (collagen type II alpha 1 chain; minus strand). Cytogenetic location: 12q13.11.
Variant type: Deletion.
Coding change: c.3887-6del on transcript NM_001844.5 (MANE Select); 6 bases into the intron before coding-DNA position 3887, one base deleted (C; older notation c.3887-6delC).
Molecular consequence: intron variant.
Genome position (GRCh38, 1-based): chr12:47,974,868, G deleted on the plus strand (C on the coding strand, the reverse complement: COL2A1 is on the minus strand); the first of 5 consecutive G bases (chr12:47,974,868-47,974,872); deleting any one gives the same sequence. VCF-style (leftmost placement, unchanged base first): chr12-47974867-AG-A. GRCh37 (hg19) VCF-style: chr12-48368650-AG-A.
Other names: c.3887-6delC (NM_001844.4, NM_001844.5); c.3680-6del (NM_033150.3).
Identifiers: ClinVar variation 723336 (VCV000723336.23), dbSNP rs572863485, ClinGen allele CA6534605.

ClinVar aggregate classification (germline): Benign/Likely benign. Review status: criteria provided, multiple submitters, no conflicts (2 of 4 stars). 6 submissions from 6 submitters: Benign (4); Likely benign (1). 1 of the submissions does not count toward it. Last evaluated 2026-05-21.

Conditions:
COL2A1-related disorder. Also called: COL2A1-related condition; COL2A1-related disorders.

Submissions (6):

Women's Health and Genetics/Laboratory Corporation of America, LabCorp
Classification: Benign. Last evaluated: 2026-05-21. Review status: criteria provided, single submitter. Criteria: LabCorp Variant Classification Summary - May 2015. Collection method: clinical testing. Allele origin: germline.
Comment: Variant summary: COL2A1 c.3887-6delC alters a nucleotide located at a position not widely known to affect splicing. Consensus agreement among computation tools predict no significant impact on normal splicing. However, these predictions have yet to be confirmed by functional studies. The variant allele was found at a frequency of 0.0014 in 250600 control chromosomes, predominantly at a frequency of 0.01 within the South Asian subpopulation in the gnomAD database, including 4 homozygotes. The observed variant frequency within South Asian control individuals in the gnomAD database exceeds the estimated maximal expected allele frequency for disease-causing variants in COL2A1. To our knowledge, no occurrence of c.3887-6delC in individuals affected with COL2A1-related conditions and no experimental evidence demonstrating its impact on protein function have been reported. ClinVar contains an entry for this variant (Variation ID: 723336). Based on the evidence outlined above, the variant was classified as benign.

Labcorp Genetics (formerly Invitae), Labcorp
Classification: Benign. Last evaluated: 2026-01-21. Review status: criteria provided, single submitter. Criteria: Invitae Variant Classification Sherloc (09022015). Collection method: clinical testing. Allele origin: germline.

CeGaT Center for Human Genetics Tuebingen
Classification: Benign. Last evaluated: 2025-09-01. Review status: criteria provided, single submitter. Criteria: CeGaT Center For Human Genetics Tuebingen Variant Classification Criteria Version 2. Collection method: clinical testing. Allele origin: germline. Affected: yes. Observed: 1 variant allele.
Comment: COL2A1: BP4, BS1, BS2

Blueprint Genetics
Classification: Likely benign. Last evaluated: 2024-11-26. Review status: criteria provided, single submitter. Criteria: ACMG Guidelines, 2015. Collection method: clinical testing. Allele origin: germline.

GeneDx
Classification: Benign. Last evaluated: 2018-09-14. Review status: criteria provided, single submitter. Criteria: GeneDx Variant Classification Process June 2021. Collection method: clinical testing. Allele origin: germline. Affected: yes.

PreventionGenetics, part of Exact Sciences
Classification: Benign for COL2A1-related condition. Last evaluated: 2019-08-01. Review status: no assertion criteria provided. Collection method: clinical testing. Allele origin: germline. Not counted in ClinVar's aggregate classification.
Comment: This variant is classified as benign based on ACMG/AMP sequence variant interpretation guidelines (Richards et al. 2015 PMID: 25741868, with internal and published modifications).